The following is an entry in ClinVar:

NM_001563.4(IMPG1):c.1286T>C (p.Leu429Pro)

Gene: IMPG1 (interphotoreceptor matrix proteoglycan 1; minus strand). Cytogenetic location: 6q14.1.
Variant type: single nucleotide variant.
Coding change: c.1286T>C on transcript NM_001563.4 (MANE Select); coding-DNA position 1286, T replaced by C.
Protein change: p.Leu429Pro; replaces leucine 429 with proline.
Molecular consequence: missense variant.
Genome position (GRCh38, 1-based): chr6:76,002,923, A>G on the plus strand (T>C on the coding strand, the complement: IMPG1 is on the minus strand). VCF-style: chr6-76002923-A-G. GRCh37 (hg19) VCF-style: chr6-76712640-A-G.
Other names: c.1052T>C, p.Leu351Pro (NM_001282368.2); short protein forms L429P, L351P.
Identifiers: ClinVar variation 855040 (VCV000855040.11), dbSNP rs753319298, ClinGen allele CA364769907.
Genomic context (GRCh38, chr6:76,002,923, plus strand): 5'-GATTCCTCAAAGCATATGTTGTCATCTAACATAGACTTTGTGAGGGGAAACTTACCAGGT[A>G]GACCATGCTCTGCTCCGTCCACTGTCTCAAGCTGGGGTTCAACAGGAGGAAGTTCTGGAC-3'
Protein context (NP_001554.2, residues 419-439): LETVDGAEHG[Leu429Pro]PDTSWSPPAM

ClinVar aggregate classification (germline): Uncertain significance (1 of 4 stars; one submission).

Allele frequency attached by ClinVar (database versions not stated): gnomAD 0.00001; TOPMed 0.00001.
gnomAD v4.1: 2 of 1,612,258 alleles (0.00012%); highest among the groups gnomAD compares: Non-Finnish European, 0.000085%; no homozygotes.

Submission:

Labcorp Genetics (formerly Invitae), Labcorp
Classification: Uncertain significance. Last evaluated: 2025-05-23. Review status: criteria provided, single submitter. Criteria: Invitae Variant Classification Sherloc (09022015). Collection method: clinical testing. Allele origin: germline.
Comment: This sequence change replaces leucine, which is neutral and non-polar, with proline, which is neutral and non-polar, at codon 429 of the IMPG1 protein (p.Leu429Pro). This variant is not present in population databases (gnomAD no frequency). This variant has not been reported in the literature in individuals affected with IMPG1-related conditions. ClinVar contains an entry for this variant (Variation ID: 855040). An algorithm developed to predict the effect of missense changes on protein structure and function outputs the following: PolyPhen-2: "Benign". The proline amino acid residue is found in multiple mammalian species, which suggests that this missense change does not adversely affect protein function. In summary, the available evidence is currently insufficient to determine the role of this variant in disease. Therefore, it has been classified as a Variant of Uncertain Significance.